The following is an entry in ClinVar:

ClinVar aggregate classification (germline): Uncertain significance (1 of 4 stars; one submission).

Submission:

Labcorp Genetics (formerly Invitae), Labcorp
Classification: Uncertain significance. Last evaluated: 2025-02-10. Review status: criteria provided, single submitter. Criteria: Invitae Variant Classification Sherloc (09022015). Collection method: clinical testing. Allele origin: germline.
Comment: This sequence change replaces proline, which is neutral and non-polar, with arginine, which is basic and polar, at codon 299 of the GLIS3 protein (p.Pro299Arg). This variant is not present in population databases (gnomAD no frequency). This variant has not been reported in the literature in individuals affected with GLIS3-related conditions. An algorithm developed to predict the effect of missense changes on protein structure and function (PolyPhen-2) suggests that this variant is likely to be tolerated. In summary, the available evidence is currently insufficient to determine the role of this variant in disease. Therefore, it has been classified as a Variant of Uncertain Significance.

NM_001042413.2(GLIS3):c.1361C>G (p.Pro454Arg)

Gene: GLIS3 (GLIS family zinc finger 3; minus strand). Cytogenetic location: 9p24.2.
Variant type: single nucleotide variant.
Coding change: c.1361C>G on transcript NM_001042413.2 (MANE Select); coding-DNA position 1361, C replaced by G.
Protein change: p.Pro454Arg; replaces proline 454 with arginine.
Molecular consequence: missense variant.
Genome position (GRCh38, 1-based): chr9:4,118,117, G>C on the plus strand (C>G on the coding strand, the complement: GLIS3 is on the minus strand). VCF-style: chr9-4118117-G-C. GRCh37 (hg19) VCF-style: chr9-4118117-G-C.
Other names: c.1361C>G, p.Pro454Arg (NM_001438906.1, NM_001438907.1, NM_001438908.1 and 2 more transcripts); c.896C>G, p.Pro299Arg (NM_001438909.1, NM_001438915.1, NM_152629.4); c.695C>G, p.Pro232Arg (NM_001438911.1, NM_001438912.1, NM_001438916.1); short protein forms P232R, P299R, P454R.
Identifiers: ClinVar variation 4712279 (VCV004712279.1).